The following is an entry in ClinVar:

ClinVar aggregate classification (germline): Benign (0 of 4 stars; one submission).

Conditions:
RELT-related disorder. Also called: RELT-related condition.

Allele frequency attached by ClinVar (database versions not stated): 1000 Genomes Project 0.00220; 1000 Genomes Project 30x 0.00265; ESP Exome Variant Server 0.00416.
gnomAD v4.1: 8,312 of 1,612,926 alleles (0.52%); highest among the groups gnomAD compares: South Asian, 0.73%; 34 homozygotes.

Submission:

PreventionGenetics, part of Exact Sciences
Classification: Benign for RELT-related condition. Last evaluated: 2019-12-23. Review status: no assertion criteria provided. Collection method: clinical testing. Allele origin: germline.
Comment: This variant is classified as benign based on ACMG/AMP sequence variant interpretation guidelines (Richards et al. 2015 PMID: 25741868, with internal and published modifications).

NM_152222.2(RELT):c.603C>T (p.Pro201=)

Gene: RELT (RELT TNF receptor; plus strand). Cytogenetic location: 11q13.4.
Variant type: single nucleotide variant.
Coding change: c.603C>T on transcript NM_152222.2 (MANE Select); coding-DNA position 603, C replaced by T.
Protein change: p.Pro201=; no amino-acid change (proline 201 retained).
Molecular consequence: synonymous variant.
Genome position (GRCh38, 1-based): chr11:73,392,446, C>T. VCF-style: chr11-73392446-C-T. GRCh37 (hg19) VCF-style: chr11-73103491-C-T.
Other names: c.603C>T, p.Pro201= (NM_001425248.1, NM_001425249.1, NM_001425250.1 and 2 more transcripts); c.555C>T, p.Pro185= (NM_001425251.1).
Identifiers: ClinVar variation 3037256 (VCV003037256.2), dbSNP rs150760056, ClinGen allele CA6178634.
Genomic context (GRCh38, chr11:73,392,446, plus strand): 5'-GGTGTGCAACCTCCTCAAGCGGAAGGGCTACCACTGCACGGCGCACAAGGAGGTCGGGCC[C>T]GGCCCTGGAGGTGGAGGCAGTGGTGAGGCCCAGCTGGGGTCCAGGTGGGAAGGACGGGGG-3'
Protein context (NP_689408.1, residues 191-211): YHCTAHKEVG[Pro201=]GPGGGGSGIN